The following is an entry in ClinVar:

NM_000702.4(ATP1A2):c.1410C>G (p.Asp470Glu)

Gene: ATP1A2 (ATPase Na+/K+ transporting subunit alpha 2; plus strand). Cytogenetic location: 1q23.2.
Variant type: single nucleotide variant.
Coding change: c.1410C>G on transcript NM_000702.4 (MANE Select); coding-DNA position 1410, C replaced by G.
Protein change: p.Asp470Glu; replaces aspartic acid 470 with glutamic acid.
Molecular consequence: missense variant.
Genome position (GRCh38, 1-based): chr1:160,129,349, C>G. VCF-style: chr1-160129349-C-G. GRCh37 (hg19) VCF-style: chr1-160099139-C-G.
Other names: p.Asp470Glu; short protein forms D470E.
Identifiers: ClinVar variation 289747 (VCV000289747.58), dbSNP rs533400580, ClinGen allele CA10606533.

ClinVar aggregate classification (germline): Conflicting classifications of pathogenicity. Review status: criteria provided, conflicting classifications (1 of 4 stars). 7 submissions from 7 submitters: Uncertain significance (6); Likely benign (1). Last evaluated 2026-01-05.

Conditions:
Familial hemiplegic migraine. Identifiers: MedGen C0338484, MONDO:0000700.

Allele frequency attached by ClinVar (database versions not stated): gnomAD 0.00001 and 0.00002; TOPMed 0.00003.
gnomAD v4.1: 36 of 1,614,032 alleles (0.0022%); highest among the groups gnomAD compares: Non-Finnish European, 0.0026%; no homozygotes.

Submissions (7):

Labcorp Genetics (formerly Invitae), Labcorp
Classification: Uncertain significance for Familial hemiplegic migraine. Last evaluated: 2026-01-05. Review status: criteria provided, single submitter. Criteria: Invitae Variant Classification Sherloc (09022015). Collection method: clinical testing. Allele origin: germline.
Comment: This sequence change replaces aspartic acid, which is acidic and polar, with glutamic acid, which is acidic and polar, at codon 470 of the ATP1A2 protein (p.Asp470Glu). This variant is not present in population databases (gnomAD no frequency). This variant has not been reported in the literature in individuals affected with ATP1A2-related conditions. ClinVar contains an entry for this variant (Variation ID: 289747). Invitae Evidence Modeling of protein sequence and biophysical properties (such as structural, functional, and spatial information, amino acid conservation, physicochemical variation, residue mobility, and thermodynamic stability) indicates that this missense variant is not expected to disrupt ATP1A2 protein function with a negative predictive value of 80%. In summary, the available evidence is currently insufficient to determine the role of this variant in disease. Therefore, it has been classified as a Variant of Uncertain Significance.

GeneDx
Classification: Uncertain significance. Last evaluated: 2025-02-13. Review status: criteria provided, single submitter. Criteria: GeneDx Variant Classification Process June 2021. Collection method: clinical testing. Allele origin: germline. Affected: yes.
Comment: Reported previously as a maternally inherited variant of uncertain significance in a patient with physical findings of Ehlers-Danlos syndrome who also harbored variants in other genes (Wilson GN and Tonk VS. (2020) JBLS. DOI 10.5296/jbls.v11i2.17756); In silico analysis indicates that this missense variant does not alter protein structure/function; Not observed at significant frequency in large population cohorts (gnomAD); This variant is associated with the following publications: (PMID: 18184292, Wilson2020[casereport])

Mayo Clinic Laboratories, Mayo Clinic
Classification: Uncertain significance. Last evaluated: 2024-04-12. Review status: criteria provided, single submitter. Criteria: ACMG Guidelines, 2015. Collection method: clinical testing. Allele origin: germline. Observed: 1 variant allele.
Comment: PM2

Blueprint Genetics
Classification: Likely benign. Last evaluated: 2023-10-25. Review status: criteria provided, single submitter. Criteria: ACMG Guidelines, 2015. Collection method: clinical testing. Allele origin: germline.

Laboratorio de Genetica e Diagnostico Molecular, Hospital Israelita Albert Einstein
Classification: Uncertain significance. Last evaluated: 2021-03-31. Review status: criteria provided, single submitter. Criteria: ACMG Guidelines, 2015. Collection method: clinical testing. Allele origin: germline. Affected: yes.
Comment: ACMG classification criteria: PM2, PP2, BP4

CeGaT Center for Human Genetics Tuebingen
Classification: Uncertain significance. Last evaluated: 2020-08-01. Review status: criteria provided, single submitter. Criteria: CeGaT Center For Human Genetics Tuebingen Variant Classification Criteria Version 2. Collection method: clinical testing. Allele origin: germline. Affected: yes. Observed: 1 variant allele.

Eurofins Ntd Llc (ga)
Classification: Uncertain significance. Last evaluated: 2016-08-11. Review status: criteria provided, single submitter. Criteria: EGL Classification Definitions 2015. Collection method: clinical testing. Allele origin: germline. Observed: 1 variant allele, 1 heterozygote.